The following is an entry in ClinVar:

NM_004655.4(AXIN2):c.381_386delinsCTTTGT (p.Leu128_Arg129delinsPheVal)

Gene: AXIN2 (axin 2; minus strand). Cytogenetic location: 17q24.1.
Variant type: Indel.
Coding change: c.381_386delinsCTTTGT on transcript NM_004655.4 (MANE Select); coding-DNA positions 381 to 386, TTTACG replaced by CTTTGT.
Protein change: p.Leu128_Arg129delinsPheVal.
Molecular consequence: missense variant.
Genome position (GRCh38, 1-based): chr17:65,558,235-65,558,240, CGTAAA replaced by ACAAAG on the plus strand (TTTACG replaced by CTTTGT on the coding strand, the reverse complement: AXIN2 is on the minus strand). VCF-style: chr17-65558235-CGTAAA-ACAAAG. GRCh37 (hg19) VCF-style: chr17-63554353-CGTAAA-ACAAAG.
Other names: c.381_386delinsCTTTGT, p.Leu128_Arg129delinsPheVal (NM_001363813.1).
Identifiers: ClinVar variation 2451675 (VCV002451675.2), dbSNP rs2544251498, ClinGen allele CA2580095111.
Genomic context (GRCh38, chr17:65,558,235, plus strand): 5'-AGCTGCTTGGAGACAATGCTGTTGTTCTCAATGTACCTTTTGTAGATCGCTTTGGCTACT[CGTAAA>ACAAAG]GTTTTGGTATCCTTCAGGTTCATCTGCCTGAATCCATTGCAGGCAAACCAGAAGTCTAAG-3'

ClinVar aggregate classification (germline): Uncertain significance (1 of 4 stars; one submission).

Conditions:
Hereditary cancer-predisposing syndrome. Also called: Neoplastic Syndromes, Hereditary; Tumor predisposition; Hereditary neoplastic syndrome; Hereditary Cancer Syndrome. Identifiers: Orphanet 140162, MedGen C0027672, MeSH D009386, MONDO:0015356.

Submission:

Ambry Genetics
Classification: Uncertain significance for Hereditary cancer-predisposing syndrome. Last evaluated: 2023-03-08. Review status: criteria provided, single submitter. Criteria: Ambry Variant Classification Scheme 2023. Collection method: clinical testing. Allele origin: germline.
Comment: The c.381_386delTTTACGinsCTTTGT variant (also known as p.L128_R129delinsFV), located in coding exon 1 of the AXIN2 gene, results from an in-frame deletion of TTTACG and insertion of CTTTGT at nucleotide positions 381 to 386. This results in the substitution of the leucine and arginine residues for phenylalanine and valine residues at codons 128 and 129. This amino acid region is well conserved in available vertebrate species. In addition, this alteration is predicted to be deleterious by in silico analysis (Choi Y et al. PLoS ONE. 2012; 7(10):e46688). Since supporting evidence is limited at this time, the clinical significance of this alteration remains unclear.